The following is an entry in ClinVar:

ClinVar aggregate classification (germline): Uncertain significance (1 of 4 stars; one submission).

Conditions:
Inborn genetic diseases. Identifiers: MedGen C0950123, MeSH D030342.

Submission:

Ambry Genetics
Classification: Uncertain significance for Inborn genetic diseases. Last evaluated: 2025-03-16. Review status: criteria provided, single submitter. Criteria: Ambry Variant Classification Scheme 2023. Collection method: clinical testing. Allele origin: germline.
Comment: The p.D320A variant (also known as c.959A>C), located in coding exon 1 of the CEBPA gene, results from an A to C substitution at nucleotide position 959. The aspartic acid at codon 320 is replaced by alanine, an amino acid with dissimilar properties. This amino acid position is conserved. In addition, this alteration is predicted to be tolerated by in silico analysis. Based on the available evidence, the clinical significance of this variant remains unclear.

NM_004364.5(CEBPA):c.959A>C (p.Asp320Ala)

Gene: CEBPA (CCAAT enhancer binding protein alpha; minus strand). Cytogenetic location: 19q13.11.
Variant type: single nucleotide variant.
Coding change: c.959A>C on transcript NM_004364.5 (MANE Select); coding-DNA position 959, A replaced by C.
Protein change: p.Asp320Ala; replaces aspartic acid 320 with alanine.
Molecular consequence: missense variant.
Genome position (GRCh38, 1-based): chr19:33,301,456, T>G on the plus strand (A>C on the coding strand, the complement: CEBPA is on the minus strand). VCF-style: chr19-33301456-T-G. GRCh37 (hg19) VCF-style: chr19-33792362-T-G.
Other names: c.602A>C, p.Asp201Ala (NM_001285829.2); c.1064A>C, p.Asp355Ala (NM_001287424.2); c.917A>C, p.Asp306Ala (NM_001287435.2); short protein forms D201A, D306A, D355A, D320A.
Identifiers: ClinVar variation 3999973 (VCV003999973.1).